The following is an entry in ClinVar:

ClinVar aggregate classification (germline): Conflicting classifications of pathogenicity. Review status: criteria provided, conflicting classifications (1 of 4 stars). 2 submissions from 2 submitters: Uncertain significance (1); Benign (1). Last evaluated 2024-04-23.

Conditions:
Primary ciliary dyskinesia. Also called: Ciliary dyskinesia. Identifiers: Orphanet 244, MedGen C0008780, MONDO:0016575, HP:0012265.

Allele frequency attached by ClinVar (database versions not stated): gnomAD 0.00002; TOPMed 0.00002; ExAC 0.00003; 1000 Genomes Project 30x 0.00031; 1000 Genomes Project 0.00040.
gnomAD v4.1: 8 of 1,612,526 alleles (0.0005%); highest among the groups gnomAD compares: East Asian, 0.018%; no homozygotes.

Submissions (2):

Mayo Clinic Laboratories, Mayo Clinic
Classification: Uncertain significance. Last evaluated: 2024-04-23. Review status: criteria provided, single submitter. Criteria: ACMG Guidelines, 2015. Collection method: clinical testing. Allele origin: germline. Observed: 1 variant allele.
Comment: BP4

Labcorp Genetics (formerly Invitae), Labcorp
Classification: Benign for Primary ciliary dyskinesia. Last evaluated: 2024-03-02. Review status: criteria provided, single submitter. Criteria: Invitae Variant Classification Sherloc (09022015). Collection method: clinical testing. Allele origin: germline.

NM_001277115.2(DNAH11):c.1444T>G (p.Leu482Val)

Gene: DNAH11 (dynein axonemal heavy chain 11; plus strand). Cytogenetic location: 7p15.3.
Variant type: single nucleotide variant.
Coding change: c.1444T>G on transcript NM_001277115.2 (MANE Select); coding-DNA position 1444, T replaced by G.
Protein change: p.Leu482Val; replaces leucine 482 with valine.
Molecular consequence: missense variant.
Genome position (GRCh38, 1-based): chr7:21,571,824, T>G. VCF-style: chr7-21571824-T-G. GRCh37 (hg19) VCF-style: chr7-21611442-T-G.
Other names: p.Leu482Val; c.1444T>G, p.Leu482Val (NM_003777.3); short protein forms L482V.
Identifiers: ClinVar variation 2198173 (VCV002198173.5), dbSNP rs575246582, ClinGen allele CA4178988.